The following is an entry in ClinVar:

NM_005502.4(ABCA1):c.5551C>T (p.Arg1851Ter)

Gene: ABCA1 (ATP binding cassette subfamily A member 1; minus strand). Cytogenetic location: 9q31.1.
Variant type: single nucleotide variant.
Coding change: c.5551C>T on transcript NM_005502.4 (MANE Select); coding-DNA position 5551, C replaced by T.
Protein change: p.Arg1851Ter; replaces arginine 1851 with a stop codon.
Molecular consequence: nonsense.
Genome position (GRCh38, 1-based): chr9:104,793,256, G>A on the plus strand (C>T on the coding strand, the complement: ABCA1 is on the minus strand). VCF-style: chr9-104793256-G-A. GRCh37 (hg19) VCF-style: chr9-107555537-G-A.
Other names: short protein forms R1851*.
Identifiers: ClinVar variation 2735310 (VCV002735310.3), dbSNP rs1262486352, ClinGen allele CA374312630.

ClinVar aggregate classification (germline): Pathogenic (1 of 4 stars; one submission).

Allele frequency attached by ClinVar (database versions not stated): gnomAD exomes below 0.00001.
gnomAD v4.1: 4 of 1,614,022 alleles (0.00025%); highest among the groups gnomAD compares: South Asian, 0.0011%; no homozygotes.

Submission:

Labcorp Genetics (formerly Invitae), Labcorp
Classification: Pathogenic. Last evaluated: 2024-02-01. Review status: criteria provided, single submitter. Criteria: Invitae Variant Classification Sherloc (09022015). Collection method: clinical testing. Allele origin: germline.
Comment: This sequence change creates a premature translational stop signal (p.Arg1851*) in the ABCA1 gene. It is expected to result in an absent or disrupted protein product. Loss-of-function variants in ABCA1 are known to be pathogenic (PMID: 10525055, 10760292, 20880529). This variant is present in population databases (no rsID available, gnomAD 0.003%). This premature translational stop signal has been observed in individual(s) with clinical features of ABCA1-related conditions (PMID: 11785958). Algorithms developed to predict the effect of variants on protein structure and function are not available or were not evaluated for this variant. Experimental studies have shown that this premature translational stop signal affects ABCA1 function (PMID: 11785958). For these reasons, this variant has been classified as Pathogenic.

Literature cited by the submitters: PubMed 10525055; PubMed 10760292; PubMed 20880529; PubMed 11785958.